The following is an entry in ClinVar:

NM_022765.4(MICAL1):c.455T>C (p.Leu152Pro)

Gene: MICAL1 (microtubule associated monooxygenase, calponin and LIM domain containing 1; minus strand). Cytogenetic location: 6q21.
Variant type: single nucleotide variant.
Coding change: c.455T>C on transcript NM_022765.4 (MANE Select); coding-DNA position 455, T replaced by C.
Protein change: p.Leu152Pro; replaces leucine 152 with proline.
Molecular consequence: missense variant.
Genome position (GRCh38, 1-based): chr6:109,453,649, A>G on the plus strand (T>C on the coding strand, the complement: MICAL1 is on the minus strand). VCF-style: chr6-109453649-A-G. GRCh37 (hg19) VCF-style: chr6-109774852-A-G.
Other names: c.455T>C, p.Leu152Pro (NM_001159291.2); c.512T>C, p.Leu171Pro (NM_001286613.2); short protein forms L152P, L171P.
Identifiers: ClinVar variation 2794839 (VCV002794839.3), dbSNP rs1775627344, ClinGen allele CA365233277.

ClinVar aggregate classification (germline): Uncertain significance (1 of 4 stars; one submission).

Allele frequency attached by ClinVar (database versions not stated): TOPMed below 0.00001; gnomAD 0.00001.
gnomAD v4.1: 3 of 1,603,662 alleles (0.00019%); highest among the groups gnomAD compares: East Asian, 0.0023%; no homozygotes.

Submission:

Labcorp Genetics (formerly Invitae), Labcorp
Classification: Uncertain significance. Last evaluated: 2023-06-13. Review status: criteria provided, single submitter. Criteria: Invitae Variant Classification Sherloc (09022015). Collection method: clinical testing. Allele origin: germline.
Comment: In summary, the available evidence is currently insufficient to determine the role of this variant in disease. Therefore, it has been classified as a Variant of Uncertain Significance. An algorithm developed to predict the effect of missense changes on protein structure and function (PolyPhen-2) suggests that this variant is likely to be disruptive. This variant has not been reported in the literature in individuals affected with MICAL1-related conditions. This variant is not present in population databases (gnomAD no frequency). This sequence change replaces leucine, which is neutral and non-polar, with proline, which is neutral and non-polar, at codon 171 of the MICAL1 protein (p.Leu171Pro).